The following is an entry in ClinVar:

ClinVar aggregate classification (germline): Uncertain significance. Review status: criteria provided, multiple submitters, no conflicts (2 of 4 stars). 2 submissions from 2 submitters: Uncertain significance (2). Last evaluated 2026-07-26.

Conditions:
Acyl-CoA oxidase deficiency. Also called: Peroxisomal acyl-CoA oxidase deficiency; STRAIGHT-CHAIN ACYL-CoA OXIDASE DEFICIENCY; Pseudoneonatal adrenoleukodystrophy. Identifiers: Orphanet 2971, MedGen C1849678, MONDO:0009919, OMIM 264470. Disease mechanism: loss of function.
ACOX1-related disorder. Also called: ACOX1-related condition; ACOX1-related disorders.

gnomAD v4.1: 111 of 1,614,044 alleles (0.0069%); highest among the groups gnomAD compares: Admixed American, 0.027%; 1 homozygote.

Submissions (2):

PreventionGenetics, part of Exact Sciences
Classification: Uncertain significance for ACOX1-related condition. Last evaluated: 2026-07-26. Review status: criteria provided, single submitter. Criteria: ACMG Guidelines, 2015. Collection method: clinical testing. Allele origin: germline.
Comment: The ACOX1 c.1385G>A variant is predicted to result in the amino acid substitution p.Arg462His. To our knowledge, this variant has not been reported in the literature. This variant is reported in 0.023% of alleles in individuals of Latino descent in gnomAD. At this time, the clinical significance of this variant is uncertain due to the absence of conclusive functional and genetic evidence.

Labcorp Genetics (formerly Invitae), Labcorp
Classification: Uncertain significance for Acyl-CoA oxidase deficiency. Last evaluated: 2024-11-13. Review status: criteria provided, single submitter. Criteria: Invitae Variant Classification Sherloc (09022015). Collection method: clinical testing. Allele origin: germline.
Comment: This sequence change replaces arginine, which is basic and polar, with histidine, which is basic and polar, at codon 462 of the ACOX1 protein (p.Arg462His). This variant is present in population databases (rs760616575, gnomAD 0.03%). This variant has not been reported in the literature in individuals affected with ACOX1-related conditions. ClinVar contains an entry for this variant (Variation ID: 1496900). An algorithm developed to predict the effect of missense changes on protein structure and function outputs the following: PolyPhen-2: "Benign". The histidine amino acid residue is found in multiple mammalian species, which suggests that this missense change does not adversely affect protein function. In summary, the available evidence is currently insufficient to determine the role of this variant in disease. Therefore, it has been classified as a Variant of Uncertain Significance.

NM_004035.7(ACOX1):c.1385G>A (p.Arg462His)

Gene: ACOX1 (acyl-CoA oxidase 1; minus strand). Cytogenetic location: 17q25.1.
Variant type: single nucleotide variant.
Coding change: c.1385G>A on transcript NM_004035.7 (MANE Select); coding-DNA position 1385, G replaced by A.
Protein change: p.Arg462His; replaces arginine 462 with histidine.
Molecular consequence: missense variant.
Genome position (GRCh38, 1-based): chr17:75,949,811, C>T on the plus strand (G>A on the coding strand, the complement: ACOX1 is on the minus strand). VCF-style: chr17-75949811-C-T. GRCh37 (hg19) VCF-style: chr17-73945892-C-T.
Other names: c.1271G>A, p.Arg424His (NM_001185039.2); c.1385G>A, p.Arg462His (NM_007292.6); c.1385G>A (NM_004035.6); short protein forms R424H, R462H.
Identifiers: ClinVar variation 1496900 (VCV001496900.5), dbSNP rs760616575, ClinGen allele CA8776782.
Genomic context (GRCh38, chr17:75,949,811, plus strand): 5'-CTTTCGGGGCTGTTGATATCCACCATGGTTGGCCAGACTGCTACCTGCTGTGGCTGGATG[C>T]GCTGACTGGGCAGGTCGTTCAAATAGGACACCATGCCACACACCAACTTTCCTGAGTGCA-3'
Protein context (NP_004026.2, residues 452-472): VSYLNDLPSQ[Arg462His]IQPQQVAVWP